The following is an entry in ClinVar:

NM_022552.5(DNMT3A):c.1748G>A (p.Cys583Tyr)

Gene: DNMT3A (DNA methyltransferase 3 alpha; minus strand). Cytogenetic location: 2p23.3.
Variant type: single nucleotide variant.
Coding change: c.1748G>A on transcript NM_022552.5 (MANE Select); coding-DNA position 1748, G replaced by A.
Protein change: p.Cys583Tyr; replaces cysteine 583 with tyrosine.
Molecular consequence: missense variant. On other transcripts: non-coding transcript variant (1).
Genome position (GRCh38, 1-based): chr2:25,244,258, C>T on the plus strand (G>A on the coding strand, the complement: DNMT3A is on the minus strand). VCF-style: chr2-25244258-C-T. GRCh37 (hg19) VCF-style: chr2-25467127-C-T.
Other names: c.1748G>A, p.Cys583Tyr (NM_175629.2); c.1292G>A, p.Cys431Tyr (NM_001320893.1); c.1079G>A, p.Cys360Tyr (NM_001375819.1); c.1181G>A, p.Cys394Tyr (NM_153759.3); short protein forms C394Y, C583Y, C431Y, C360Y.
Identifiers: ClinVar variation 423541 (VCV000423541.3), dbSNP rs748082838, ClinGen allele CA1555884.

ClinVar aggregate classification (germline): Pathogenic (1 of 4 stars; one submission).

Allele frequency attached by ClinVar (database versions not stated): gnomAD exomes below 0.00001 and 0.00001; ExAC 0.00001.
gnomAD v4.1: 2 of 1,613,968 alleles (0.00012%); highest among the groups gnomAD compares: Non-Finnish European, 0.00017%; no homozygotes.

Submission:

GeneDx
Classification: Pathogenic. Last evaluated: 2023-03-30. Review status: criteria provided, single submitter. Criteria: GeneDx Variant Classification Process June 2021. Collection method: clinical testing. Allele origin: germline. Affected: yes.
Comment: In silico analysis supports that this missense variant has a deleterious effect on protein structure/function; This variant is associated with the following publications: (PMID: 22642896, 32322039, 34315901, 29900417)